The following is an entry in ClinVar:

ClinVar aggregate classification (germline): Pathogenic (1 of 4 stars; one submission).

Submission:

GeneDx
Classification: Pathogenic. Last evaluated: 2025-05-07. Review status: criteria provided, single submitter. Criteria: GeneDx Variant Classification Process June 2021. Collection method: clinical testing. Allele origin: germline. Affected: yes.
Comment: Frameshift variant predicted to result in protein truncation or nonsense mediated decay in a gene for which loss of function is a known mechanism of disease; Not observed at significant frequency in large population cohorts (gnomAD); Has not been previously published as pathogenic or benign to our knowledge

NM_003072.5(SMARCA4):c.4526del (p.Lys1509fs)

Gene: SMARCA4 (SWI/SNF related BAF chromatin remodeling complex subunit ATPase 4; plus strand). Cytogenetic location: 19p13.2.
Variant type: Deletion.
Coding change: c.4526del on transcript NM_003072.5 (MANE Select); coding-DNA position 4526, one base deleted (A; older notation c.4526delA).
Protein change: p.Lys1509fs; shifts the reading frame from lysine 1509.
Molecular consequence: frameshift variant. On other transcripts: non-coding transcript variant (1).
Genome position (GRCh38, 1-based): chr19:11,058,356, A deleted; the last of 2 consecutive A bases (chr19:11,058,355-11,058,356); deleting either gives the same sequence. VCF-style (leftmost placement, unchanged base first): chr19-11058354-GA-G. GRCh37 (hg19) VCF-style: chr19-11169030-GA-G.
Other names: c.4622delA (NM_001128849.1); c.4526del, p.Lys1509fs (NM_001128844.3); c.4436del, p.Lys1479fs (NM_001128845.2); c.4433del, p.Lys1478fs (NM_001128846.2); c.4427del, p.Lys1476fs (NM_001128847.4, NM_001374457.1); c.4424del, p.Lys1475fs (NM_001128848.2); c.4622del, p.Lys1541fs (NM_001128849.3, NM_001387283.1); short protein forms K1478fs, K1475fs, K1476fs, K1479fs, K1509fs, K1541fs.
Identifiers: ClinVar variation 545844 (VCV000545844.5), dbSNP rs1555795091, ClinGen allele CA658824857.